The following is an entry in ClinVar:

NM_031844.3(HNRNPU):c.2261C>A (p.Pro754His)

Gene: HNRNPU (heterogeneous nuclear ribonucleoprotein U; minus strand). Cytogenetic location: 1q44.
Variant type: single nucleotide variant.
Coding change: c.2261C>A on transcript NM_031844.3 (MANE Select); coding-DNA position 2261, C replaced by A.
Protein change: p.Pro754His; replaces proline 754 with histidine.
Molecular consequence: missense variant.
Genome position (GRCh38, 1-based): chr1:244,855,515, G>T on the plus strand (C>A on the coding strand, the complement: HNRNPU is on the minus strand). VCF-style: chr1-244855515-G-T. GRCh37 (hg19) VCF-style: chr1-245018817-G-T.
Other names: c.2204C>A, p.Pro735His (NM_004501.3); short protein forms P754H, P735H.
Identifiers: ClinVar variation 4525992 (VCV004525992.1).

ClinVar aggregate classification (germline): Uncertain significance (1 of 4 stars; one submission).

Submission:

Women's Health and Genetics/Laboratory Corporation of America, LabCorp
Classification: Uncertain significance. Last evaluated: 2025-07-10. Review status: criteria provided, single submitter. Criteria: LabCorp Variant Classification Summary - May 2015. Collection method: clinical testing. Allele origin: germline.
Comment: Variant summary: HNRNPU c.2261C>A (p.Pro754His) results in a non-conservative amino acid change in the encoded protein sequence. Algorithms developed to predict the effect of missense changes on protein structure and function are either unavailable or do not agree on the potential impact of this missense change. The variant was absent in 251448 control chromosomes. The available data on variant occurrences in the general population are insufficient to allow any conclusion about variant significance. To our knowledge, no occurrence of c.2261C>A in individuals affected with Developmental And Epileptic Encephalopathy, 54 and no experimental evidence demonstrating its impact on protein function have been reported. No submitters have cited clinical-significance assessments for this variant to ClinVar. Based on the evidence outlined above, the variant was classified as uncertain significance.